The following is an entry in ClinVar:

NM_138352.3(SAMD1):c.41C>G (p.Ala14Gly)

Gene: SAMD1 (sterile alpha motif domain containing 1; minus strand). Cytogenetic location: 19p13.12.
Variant type: single nucleotide variant.
Coding change: c.41C>G on transcript NM_138352.3 (MANE Select); coding-DNA position 41, C replaced by G.
Protein change: p.Ala14Gly; replaces alanine 14 with glycine.
Molecular consequence: missense variant.
Genome position (GRCh38, 1-based): chr19:14,090,380, G>C on the plus strand (C>G on the coding strand, the complement: SAMD1 is on the minus strand). VCF-style: chr19-14090380-G-C. GRCh37 (hg19) VCF-style: chr19-14201192-G-C.
Other names: short protein forms A14G.
Identifiers: ClinVar variation 4580660 (VCV004580660.1).
Genomic context (GRCh38, chr19:14,090,380, plus strand): 5'-CACTCTTGGTAGTGCGGGGAAGCGGCGGACGACGAGGCGGCGGCCGCCGTGGTGGCGGCC[G>C]CCGCCGTCTCCGGCGGGGGTAGGGCCGGGGGCCCCGCCATGCCTCCCGCCCGGCCCGGCT-3'
Protein context (NP_612361.1, residues 4-24): PPALPPPETA[Ala14Gly]AATTAAAASS

ClinVar aggregate classification (germline): Uncertain significance (1 of 4 stars; one submission).

Submission:

Ambry Genetics
Classification: Uncertain significance. Last evaluated: 2025-10-24. Review status: criteria provided, single submitter. Criteria: Ambry Variant Classification Scheme 2023. Collection method: clinical testing. Allele origin: germline.
Comment: The c.41C>G (p.A14G) alteration is located in exon (coding exon ) of the SAMD1 gene. This alteration results from a C to G substitution at nucleotide position 41, causing the alanine (A) at amino acid position 14 to be replaced by a glycine (G). Based on insufficient or conflicting evidence, the clinical significance of this alteration remains unclear.